The following is an entry in ClinVar:

NM_018941.4(CLN8):c.76A>T (p.Thr26Ser)

Gene: CLN8 (CLN8 transmembrane ER and ERGIC protein; plus strand). Cytogenetic location: 8p23.3.
Variant type: single nucleotide variant.
Coding change: c.76A>T on transcript NM_018941.4 (MANE Select); coding-DNA position 76, A replaced by T.
Protein change: p.Thr26Ser; replaces threonine 26 with serine.
Molecular consequence: missense variant.
Genome position (GRCh38, 1-based): chr8:1,771,130, A>T. VCF-style: chr8-1771130-A-T. GRCh37 (hg19) VCF-style: chr8-1719296-A-T.
Other names: short protein forms T26S.
Identifiers: ClinVar variation 2693725 (VCV002693725.3), dbSNP rs1328384846, ClinGen allele CA369952825.
Genomic context (GRCh38, chr8:1,771,130, plus strand): 5'-GATGGGGGCACATCAGAGAGCATTTTTGACCTGGACTATGCATCCTGGGGGATCCGCTCC[A>T]CGCTGATGGTCGCTGGCTTTGTCTTCTACTTGGGCGTCTTTGTGGTCTGCCACCAGCTGT-3'
Protein context (NP_061764.2, residues 16-36): LDYASWGIRS[Thr26Ser]LMVAGFVFYL

ClinVar aggregate classification (germline): Uncertain significance (1 of 4 stars; one submission).

Conditions:
Neuronal ceroid lipofuscinosis. Also called: Neuronal Ceroid Lipofuscinoses. Identifiers: Orphanet 216, Orphanet 79263, MedGen C0027877, MONDO:0016295. Disease mechanism: loss of function.

Allele frequency attached by ClinVar (database versions not stated): TOPMed below 0.00001.

Submission:

Labcorp Genetics (formerly Invitae), Labcorp
Classification: Uncertain significance for Neuronal ceroid lipofuscinosis. Last evaluated: 2023-06-06. Review status: criteria provided, single submitter. Criteria: Invitae Variant Classification Sherloc (09022015). Collection method: clinical testing. Allele origin: germline.
Comment: This variant is not present in population databases (gnomAD no frequency). This sequence change replaces threonine, which is neutral and polar, with serine, which is neutral and polar, at codon 26 of the CLN8 protein (p.Thr26Ser). This variant has not been reported in the literature in individuals affected with CLN8-related conditions. Advanced modeling of protein sequence and biophysical properties (such as structural, functional, and spatial information, amino acid conservation, physicochemical variation, residue mobility, and thermodynamic stability) has been performed at Invitae for this missense variant, however the output from this modeling did not meet the statistical confidence thresholds required to predict the impact of this variant on CLN8 protein function. In summary, the available evidence is currently insufficient to determine the role of this variant in disease. Therefore, it has been classified as a Variant of Uncertain Significance.